The following is an entry in ClinVar:

NM_000548.5(TSC2):c.4950C>A (p.Tyr1650Ter)

Gene: TSC2 (TSC complex subunit 2; plus strand). Cytogenetic location: 16p13.3.
Variant type: single nucleotide variant.
Coding change: c.4950C>A on transcript NM_000548.5 (MANE Select); coding-DNA position 4950, C replaced by A.
Protein change: p.Tyr1650Ter; replaces tyrosine 1650 with a stop codon.
Molecular consequence: nonsense. On other transcripts: non-coding transcript variant (5).
Genome position (GRCh38, 1-based): chr16:2,086,832, C>A. VCF-style: chr16-2086832-C-A. GRCh37 (hg19) VCF-style: chr16-2136833-C-A.
Other names: c.4749C>A, p.Tyr1583Ter (NM_001077183.3); c.4881C>A, p.Tyr1627Ter (NM_001114382.3); c.4641C>A, p.Tyr1547Ter (NM_001318827.2); c.4605C>A, p.Tyr1535Ter (NM_001318829.2); c.4218C>A, p.Tyr1406Ter (NM_001318831.2); c.4782C>A, p.Tyr1594Ter (NM_001318832.2); c.4752C>A, p.Tyr1584Ter (NM_001363528.2); c.4818C>A, p.Tyr1606Ter (NM_001370404.1); and 26 more; short protein forms Y1135*, Y1136*, Y1159*, Y1564*, Y1584*, Y1590*, Y1594*, Y1606*.
Identifiers: ClinVar variation 4557566 (VCV004557566.1).
Genomic context (GRCh38, chr16:2,086,832, plus strand): 5'-GGACAAGCACCGCTGCGACAAGAAGCGCCACCTGGGCAACGACTTTGTGTCCATTGTCTA[C>A]AATGACTCCGGTGAGGACTTCAAGCTTGGCACCATCAAGGTGAGTGAGGGGCCGTCAGTG-3'

ClinVar aggregate classification (germline): Pathogenic (1 of 4 stars; one submission).

Conditions:
Hereditary cancer-predisposing syndrome. Also called: Tumor predisposition; Hereditary Cancer Syndrome; Hereditary neoplastic syndrome; Neoplastic Syndromes, Hereditary. Identifiers: Orphanet 140162, MedGen C0027672, MeSH D009386, MONDO:0015356.

Submission:

Ambry Genetics
Classification: Pathogenic for Hereditary cancer-predisposing syndrome. Last evaluated: 2025-12-11. Review status: criteria provided, single submitter. Criteria: Ambry Variant Classification Scheme 2023. Collection method: clinical testing. Allele origin: germline.
Comment: The p.Y1650* pathogenic mutation (also known as c.4950C>A), located in coding exon 37 of the TSC2 gene, results from a C to A substitution at nucleotide position 4950. This changes the amino acid from a tyrosine to a stop codon within coding exon 37. This variant was reported heterozygous in individual(s) with features consistent with tuberous sclerosis complex (Ambry internal data). This variant is considered to be rare based on population cohorts in the Genome Aggregation Database (gnomAD). This alteration is expected to result in loss of function by premature protein truncation or nonsense-mediated mRNA decay. As such, this alteration is interpreted as a disease-causing mutation.